The following is an entry in ClinVar:

ClinVar aggregate classification (germline): Uncertain significance (1 of 4 stars; one submission).

Submission:

CeGaT Center for Human Genetics Tuebingen
Classification: Uncertain significance. Last evaluated: 2024-08-01. Review status: criteria provided, single submitter. Criteria: CeGaT Center For Human Genetics Tuebingen Variant Classification Criteria Version 2. Collection method: clinical testing. Allele origin: germline. Affected: yes. Observed: 1 variant allele.
Comment: DROSHA: PM2

NM_001382508.1(DROSHA):c.928G>A (p.Glu310Lys)

Gene: DROSHA (drosha ribonuclease III; minus strand). Cytogenetic location: 5p13.3.
Variant type: single nucleotide variant.
Coding change: c.928G>A on transcript NM_001382508.1 (MANE Select); coding-DNA position 928, G replaced by A.
Protein change: p.Glu310Lys; replaces glutamic acid 310 with lysine.
Molecular consequence: missense variant.
Genome position (GRCh38, 1-based): chr5:31,521,142, C>T on the plus strand (G>A on the coding strand, the complement: DROSHA is on the minus strand). VCF-style: chr5-31521142-C-T. GRCh37 (hg19) VCF-style: chr5-31521249-C-T.
Other names: c.928G>A, p.Glu310Lys (NM_001100412.2, NM_013235.5); short protein forms E310K.
Identifiers: ClinVar variation 3341925 (VCV003341925.16).